The following is an entry in ClinVar:

NM_015272.5(RPGRIP1L):c.3702-16A>G

Gene: RPGRIP1L (RPGRIP1 like; minus strand). Cytogenetic location: 16q12.2.
Variant type: single nucleotide variant.
Coding change: c.3702-16A>G on transcript NM_015272.5 (MANE Select); 16 bases into the intron before coding-DNA position 3702, A replaced by G.
Molecular consequence: intron variant.
Genome position (GRCh38, 1-based): chr16:53,605,630, T>C on the plus strand (A>G on the coding strand, the complement: RPGRIP1L is on the minus strand). VCF-style: chr16-53605630-T-C. GRCh37 (hg19) VCF-style: chr16-53639542-T-C.
Other names: c.3462-16A>G (NM_001127897.4); c.3600-16A>G (NM_001330538.2); c.3564-16A>G (NM_001308334.3).
Identifiers: ClinVar variation 387843 (VCV000387843.12), dbSNP rs372739127, ClinGen allele CA8057198.

ClinVar aggregate classification (germline): Likely benign. Review status: criteria provided, multiple submitters, no conflicts (2 of 4 stars). 4 submissions from 4 submitters: Likely benign (4). Last evaluated 2025-12-16.

Conditions:
COACH syndrome 3. Identifiers: MedGen C5436841, MONDO:0030862, OMIM 619113.
Meckel syndrome, type 5 (MKS5). Identifiers: Orphanet 564, MedGen C1969052, MONDO:0012695, OMIM 611561.
Joubert syndrome 7 (JBTS7). Identifiers: Orphanet 220497, MedGen C1969053, MONDO:0012694, OMIM 611560.
Meckel-Gruber syndrome. Also called: GRUBER SYNDROME; Dysencephalia splachnocystica; DYSENCEPHALIA SPLANCHNOCYSTICA. Identifiers: Orphanet 564, MedGen C0265215, MONDO:0018921.
Joubert syndrome. Also called: JOUBERT-BOLTSHAUSER SYNDROME; Familial aplasia of the vermis. Identifiers: Orphanet 475, MedGen C5979921, MONDO:0018772.

Allele frequency attached by ClinVar (database versions not stated): gnomAD exomes 0.00002 and 0.00006; ExAC 0.00009; gnomAD 0.00025 and 0.00030; TOPMed 0.00029; ESP Exome Variant Server 0.00031.
gnomAD v4.1: 74 of 1,613,228 alleles (0.0046%); highest among the groups gnomAD compares: African/African-American, 0.091%; no homozygotes.

Submissions (4):

Labcorp Genetics (formerly Invitae), Labcorp
Classification: Likely benign for Joubert syndrome; Meckel-Gruber syndrome. Last evaluated: 2025-12-16. Review status: criteria provided, single submitter. Criteria: Invitae Variant Classification Sherloc (09022015). Collection method: clinical testing. Allele origin: germline.

Fulgent Genetics
Classification: Likely benign for Joubert syndrome 7; Meckel syndrome, type 5; COACH syndrome 3. Last evaluated: 2021-12-15. Review status: criteria provided, single submitter. Criteria: ACMG Guidelines, 2015. Collection method: clinical testing. Allele origin: unknown.

Blueprint Genetics
Classification: Likely benign. Last evaluated: 2021-03-26. Review status: criteria provided, single submitter. Criteria: ACMG Guidelines, 2015. Collection method: clinical testing. Allele origin: germline.

GeneDx
Classification: Likely benign. Last evaluated: 2016-07-26. Review status: criteria provided, single submitter. Criteria: GeneDx Variant Classification (06012015). Collection method: clinical testing. Allele origin: germline. Affected: yes.
Comment: This variant is considered likely benign or benign based on one or more of the following criteria: it is a conservative change, it occurs at a poorly conserved position in the protein, it is predicted to be benign by multiple in silico algorithms, and/or has population frequency not consistent with disease.